The following is an entry in ClinVar:

NM_001243925.2(MAPKAPK3):c.360-5T>C

Gene: MAPKAPK3 (MAPK activated protein kinase 3; plus strand). Cytogenetic location: 3p21.2.
Variant type: single nucleotide variant.
Coding change: c.360-5T>C on transcript NM_001243925.2 (MANE Select); 5 bases into the intron before coding-DNA position 360, T replaced by C.
Molecular consequence: intron variant.
Genome position (GRCh38, 1-based): chr3:50,641,702, T>C. VCF-style: chr3-50641702-T-C. GRCh37 (hg19) VCF-style: chr3-50679133-T-C.
Other names: c.360-5T>C (NM_001243926.2, NM_004635.5).
Identifiers: ClinVar variation 3694363 (VCV003694363.2).

ClinVar aggregate classification (germline): Uncertain significance (1 of 4 stars; one submission).

gnomAD v4.1: 2 of 1,613,712 alleles (0.00012%); highest among the groups gnomAD compares: Non-Finnish European, 0.00017%; no homozygotes.

Submission:

Labcorp Genetics (formerly Invitae), Labcorp
Classification: Uncertain significance. Last evaluated: 2025-01-29. Review status: criteria provided, single submitter. Criteria: Invitae Variant Classification Sherloc (09022015). Collection method: clinical testing. Allele origin: germline.
Comment: This sequence change falls in intron 5 of the MAPKAPK3 gene. It does not directly change the encoded amino acid sequence of the MAPKAPK3 protein. This variant is not present in population databases (gnomAD no frequency). This variant has not been reported in the literature in individuals affected with MAPKAPK3-related conditions. Algorithms developed to predict the effect of sequence changes on RNA splicing suggest that this variant may disrupt the consensus splice site. In summary, the available evidence is currently insufficient to determine the role of this variant in disease. Therefore, it has been classified as a Variant of Uncertain Significance.